The following is an entry in ClinVar:

NM_006493.4(CLN5):c.144dup (p.Ser49fs)

Genes: CLN5 (CLN5 lysosomal BMP synthase; plus strand), LOC130009913 (ATAC-STARR-seq lymphoblastoid silent region 5414; plus strand). Cytogenetic location: 13q22.3.
Variant type: Duplication.
Coding change: c.144dup on transcript NM_006493.4 (MANE Select); coding-DNA position 144, one base duplicated (C; older notation c.144dupC).
Protein change: p.Ser49fs; shifts the reading frame from serine 49.
Molecular consequence: frameshift variant.
Genome position (GRCh38, 1-based): chr13:76,992,242, C duplicated; the last of 4 consecutive C bases (chr13:76,992,239-76,992,242); duplicating any one gives the same sequence. VCF-style (leftmost placement, unchanged base first): chr13-76992238-T-TC. GRCh37 (hg19) VCF-style: chr13-77566373-T-TC.
Other names: c.144dup, p.Ser49fs (NM_001366624.2); c.291dup (LRG_692t1); short protein forms S49fs.
Identifiers: ClinVar variation 56532 (VCV000056532.8), dbSNP rs386833970, ClinGen allele CA263883.

ClinVar aggregate classification (germline): Pathogenic/Likely pathogenic. Review status: criteria provided, multiple submitters, no conflicts (2 of 4 stars). 4 submissions from 4 submitters: Pathogenic (1); Likely pathogenic (2). 1 of the submissions does not count toward it. Last evaluated 2024-06-22.

Conditions:
Neuronal ceroid lipofuscinosis. Also called: Neuronal Ceroid Lipofuscinoses. Identifiers: Orphanet 216, Orphanet 79263, MedGen C0027877, MONDO:0016295. Disease mechanism: loss of function.
Neuronal ceroid lipofuscinosis 5 (CLN5). Also called: CEROID LIPOFUSCINOSIS, NEURONAL, 5, VARIABLE AGE AT ONSET; Neuronal ceroid lipofuscinosis Finnish variant; NEURONAL CEROID LIPOFUSCINOSIS, LATE INFANTILE, FINNISH VARIANT; CLN5-Related Neuronal Ceroid-Lipofuscinosis. Identifiers: Orphanet 168491, Orphanet 228360, MedGen C1850442, MONDO:0009745, OMIM 256731.

Submissions (4):

Fulgent Genetics
Classification: Likely pathogenic for Neuronal ceroid lipofuscinosis 5. Last evaluated: 2024-06-22. Review status: criteria provided, single submitter. Criteria: ACMG Guidelines, 2015. Collection method: clinical testing. Allele origin: germline.

Labcorp Genetics (formerly Invitae), Labcorp
Classification: Pathogenic for Neuronal ceroid lipofuscinosis. Last evaluated: 2023-09-03. Review status: criteria provided, single submitter. Criteria: Invitae Variant Classification Sherloc (09022015). Collection method: clinical testing. Allele origin: germline.
Comment: For these reasons, this variant has been classified as Pathogenic. ClinVar contains an entry for this variant (Variation ID: 56532). This premature translational stop signal has been observed in individual(s) with clinical features of neuronal ceroid lipofuscinosis type 5 (CLN5) (PMID: 21990111). This variant is not present in population databases (gnomAD no frequency). This sequence change creates a premature translational stop signal (p.Ser98Leufs*13) in the CLN5 gene. It is expected to result in an absent or disrupted protein product. Loss-of-function variants in CLN5 are known to be pathogenic (PMID: 20157158).

Women's Health and Genetics/Laboratory Corporation of America, LabCorp
Classification: Likely pathogenic for Neuronal ceroid lipofuscinosis. Last evaluated: 2021-05-23. Review status: criteria provided, single submitter. Criteria: LabCorp Variant Classification Summary - May 2015. Collection method: clinical testing. Allele origin: germline.
Comment: Variant summary: CLN5 c.291dupC (p.Ser98LeufsX13) results in a premature termination codon, predicted to cause a truncation of the encoded protein or absence of the protein due to nonsense mediated decay, which are commonly known mechanisms for disease. Truncations downstream of this position have been classified as pathogenic by our laboratory. The variant was absent in 203636 control chromosomes. c.291dupC has been reported in the literature in individuals affected with Neuronal Ceroid-Lipofuscinosis (Batten Disease) (example, Kousi_2012, Kohan_2015) and has also been subsequently cited by others. These data indicate that the variant may be associated with disease. To our knowledge, no experimental evidence demonstrating an impact on protein function has been reported. No clinical diagnostic laboratories have submitted clinical-significance assessments for this variant to ClinVar after 2014. Based on the evidence outlined above, the variant was classified as likely pathogenic.

Juha Muilu Group; Institute for Molecular Medicine Finland (FIMM)
Classification: Likely pathogenic for Ceroid lipofuscinosis neuronal 5. Review status: no assertion criteria provided. Collection method: not provided. Allele origin: unknown. Not counted in ClinVar's aggregate classification.
Comment: FinDis database variant: This variant was not found or characterized by our laboratory, data were collected from public sources: see reference
ClinVar note: Converted during submission from probable-pathogenic to Likely pathogenic.

Literature cited by the submitters: PubMed 21990111 (cited by Labcorp Genetics (formerly Invitae), Labcorp and Women's Health and Genetics/Laboratory Corporation of America, LabCorp); PubMed 20157158 (cited by Labcorp Genetics (formerly Invitae), Labcorp and Women's Health and Genetics/Laboratory Corporation of America, LabCorp); PubMed 25976102 (cited by Women's Health and Genetics/Laboratory Corporation of America, LabCorp); PubMed 30919163 (cited by Women's Health and Genetics/Laboratory Corporation of America, LabCorp); PubMed 30264640 (cited by Women's Health and Genetics/Laboratory Corporation of America, LabCorp); PubMed 32983231 (cited by Women's Health and Genetics/Laboratory Corporation of America, LabCorp).